The following is an entry in ClinVar:

ClinVar aggregate classification (germline): Uncertain significance (1 of 4 stars; one submission).

Submission:

Labcorp Genetics (formerly Invitae), Labcorp
Classification: Uncertain significance. Last evaluated: 2022-06-13. Review status: criteria provided, single submitter. Criteria: Invitae Variant Classification Sherloc (09022015). Collection method: clinical testing. Allele origin: germline.
Comment: In summary, the available evidence is currently insufficient to determine the role of this variant in disease. Therefore, it has been classified as a Variant of Uncertain Significance. Algorithms developed to predict the effect of missense changes on protein structure and function (SIFT, PolyPhen-2, Align-GVGD) all suggest that this variant is likely to be tolerated. This variant has not been reported in the literature in individuals affected with EMC1-related conditions. This variant is not present in population databases (gnomAD no frequency). This sequence change replaces histidine, which is basic and polar, with aspartic acid, which is acidic and polar, at codon 718 of the EMC1 protein (p.His718Asp).

NM_015047.3(EMC1):c.2152C>G (p.His718Asp)

Genes: EMC1 (ER membrane protein complex subunit 1; minus strand), EMC1-AS1 (EMC1 antisense RNA 1; plus strand). Cytogenetic location: 1p36.13.
Variant type: single nucleotide variant.
Coding change: c.2152C>G on transcript NM_015047.3 (MANE Select); coding-DNA position 2152, C replaced by G.
Protein change: p.His718Asp; replaces histidine 718 with aspartic acid.
Molecular consequence: missense variant.
Genome position (GRCh38, 1-based): chr1:19,227,363, G>C on the plus strand (C>G on the coding strand, the complement: EMC1 is on the minus strand). VCF-style: chr1-19227363-G-C. GRCh37 (hg19) VCF-style: chr1-19553857-G-C.
Other names: c.2149C>G, p.His717Asp (NM_001271427.2, NM_001271428.2); c.2086C>G, p.His696Asp (NM_001271429.2); c.2161C>G, p.His721Asp (NM_001375820.1); c.2158C>G, p.His720Asp (NM_001375821.1); short protein forms H721D, H696D, H717D, H718D, H720D.
Identifiers: ClinVar variation 2005684 (VCV002005684.4), dbSNP rs2536696990, ClinGen allele CA338756686.